The following is an entry in ClinVar:

ClinVar aggregate classification (germline): Uncertain significance (1 of 4 stars; one submission).

Conditions:
Hypertrophic cardiomyopathy. Also called: HYPERTROPHIC MYOCARDIOPATHY. Identifiers: Orphanet 217569, MedGen C0007194, MeSH D002312, MONDO:0005045, HP:0001639.

Allele frequency attached by ClinVar (database versions not stated): gnomAD exomes below 0.00001; gnomAD 0.00001; TOPMed 0.00001.
gnomAD v4.1: 3 of 1,607,800 alleles (0.00019%); highest among the groups gnomAD compares: African/African-American, 0.0027%; no homozygotes.

Submission:

Labcorp Genetics (formerly Invitae), Labcorp
Classification: Uncertain significance for Hypertrophic cardiomyopathy. Last evaluated: 2022-08-23. Review status: criteria provided, single submitter. Criteria: Invitae Variant Classification Sherloc (09022015). Collection method: clinical testing. Allele origin: germline.
Comment: This variant has not been reported in the literature in individuals affected with MYOM1-related conditions. In summary, the available evidence is currently insufficient to determine the role of this variant in disease. Therefore, it has been classified as a Variant of Uncertain Significance. Algorithms developed to predict the effect of missense changes on protein structure and function are either unavailable or do not agree on the potential impact of this missense change (SIFT: "Deleterious"; PolyPhen-2: "Probably Damaging"; Align-GVGD: "Class C0"). ClinVar contains an entry for this variant (Variation ID: 1419972). This variant is present in population databases (no rsID available, gnomAD 0.007%). This sequence change replaces proline, which is neutral and non-polar, with serine, which is neutral and polar, at codon 934 of the MYOM1 protein (p.Pro934Ser).

NM_003803.4(MYOM1):c.2800C>T (p.Pro934Ser)

Gene: MYOM1 (myomesin 1; minus strand). Cytogenetic location: 18p11.31.
Variant type: single nucleotide variant.
Coding change: c.2800C>T on transcript NM_003803.4 (MANE Select); coding-DNA position 2800, C replaced by T.
Protein change: p.Pro934Ser; replaces proline 934 with serine.
Molecular consequence: missense variant.
Genome position (GRCh38, 1-based): chr18:3,126,892, G>A on the plus strand (C>T on the coding strand, the complement: MYOM1 is on the minus strand). VCF-style: chr18-3126892-G-A. GRCh37 (hg19) VCF-style: chr18-3126890-G-A.
Other names: c.2512C>T, p.Pro838Ser (NM_019856.2); short protein forms P934S, P838S.
Identifiers: ClinVar variation 1419972 (VCV001419972.8), dbSNP rs1207305590, ClinGen allele CA401708716.